The following is an entry in ClinVar:

ClinVar aggregate classification (germline): Benign. Review status: criteria provided, multiple submitters, no conflicts (2 of 4 stars). 11 submissions from 10 submitters: Benign (9). 2 of the submissions do not count toward it. Last evaluated 2026-01-26.

Conditions:
Autosomal recessive hypohidrotic ectodermal dysplasia syndrome. Also called: Autosomal recessive hypohidrotic ectodermal dysplasia. Identifiers: Orphanet 248, MedGen C0406702, MONDO:0016619.
Ectodermal dysplasia 10A, hypohidrotic/hair/nail type, autosomal dominant (ECTD10A). Also called: Ectodermal Dysplasia 3, Anhidrotic. Identifiers: Orphanet 1810, Orphanet 238468, MedGen C3888065, MONDO:0007509, OMIM 129490.
Hypohidrotic ectodermal dysplasia (HED). Identifiers: Orphanet 238468, MedGen C5848103, MONDO:0016535, HP:0007607.
Non-syndromic oligodontia.
Ectodermal dysplasia 10B, hypohidrotic/hair/tooth type, autosomal recessive. Also called: Ectodermal Dysplasia, Hypohidrotic, Autosomal Recessive; Ectodermal dysplasia 10B, hypohidrotic/hair/tooth type, autosomal. Identifiers: Orphanet 238468, Orphanet 248, MedGen C3887494, MONDO:0009147, OMIM 224900.
Hair morphology 1, hair thickness. Identifiers: MedGen C4016871.

Allele frequency attached by ClinVar (database versions not stated): gnomAD exomes 0.15191 and 0.04659; gnomAD 0.07017 and 0.05968; 1000 Genomes Project 0.23562; TOPMed 0.09753; ExAC 0.12996; 1000 Genomes Project 30x 0.22626.
gnomAD v4.1: 79,887 of 1,613,832 alleles (5%); highest among the groups gnomAD compares: East Asian, 85%; 23,819 homozygotes.

Submissions (11):

Labcorp Genetics (formerly Invitae), Labcorp
Classification: Benign for Ectodermal dysplasia 10A, hypohidrotic/hair/nail type, autosomal dominant; Autosomal recessive hypohidrotic ectodermal dysplasia syndrome. Last evaluated: 2026-01-26. Review status: criteria provided, single submitter. Criteria: Invitae Variant Classification Sherloc (09022015). Collection method: clinical testing. Allele origin: germline.

Department of Pathology and Laboratory Medicine, Sinai Health System
Classification: Benign for Ectodermal dysplasia 10A, hypohidrotic/hair/nail type, autosomal dominant; Ectodermal dysplasia 10B, hypohidrotic/hair/tooth type, autosomal recessive. Last evaluated: 2023-04-24. Review status: criteria provided, single submitter. Criteria: ACMG Guidelines, 2015. Collection method: research. Allele origin: germline.

Genome-Nilou Lab
Classification: Benign for Ectodermal dysplasia 10A, hypohidrotic/hair/nail type, autosomal dominant. Last evaluated: 2021-07-30. Review status: criteria provided, single submitter. Criteria: ACMG Guidelines, 2015. Collection method: clinical testing. Allele origin: germline. Affected: no.

Genome-Nilou Lab
Classification: Benign for Ectodermal dysplasia 10B, hypohidrotic/hair/tooth type, autosomal recessive. Last evaluated: 2021-07-30. Review status: criteria provided, single submitter. Criteria: ACMG Guidelines, 2015. Collection method: clinical testing. Allele origin: germline. Affected: no.

Illumina Laboratory Services, Illumina
Classification: Benign for Hypohidrotic ectodermal dysplasia. Last evaluated: 2018-01-16. Review status: criteria provided, single submitter. Criteria: ICSL Variant Classification Criteria 13 December 2019. Collection method: clinical testing. Allele origin: germline.
Comment: This variant was observed as part of a predisposition screen in an ostensibly healthy population. A literature search was performed for the gene, cDNA change, and amino acid change (where applicable). Publications were found based on this search. The evidence from the literature, in combination with allele frequency data from public databases where available, was sufficient to rule this variant out of causing disease. Therefore, this variant is classified as benign.

GeneDx
Classification: Benign. Last evaluated: 2015-03-03. Review status: criteria provided, single submitter. Criteria: GeneDx Variant Classification Process June 2021. Collection method: clinical testing. Allele origin: germline. Affected: yes.
Comment: This variant is associated with the following publications: (PMID: 24752358, 19804850, 21916884, 23415220, 18704500, 23793515, 18561327, 22648185, 18493316, 18065779, 26105758, 26603699, 27487801, 32906216)

Eurofins Ntd Llc (ga)
Classification: Benign. Last evaluated: 2014-10-14. Review status: criteria provided, single submitter. Criteria: EGL Classification Definitions 2015. Collection method: clinical testing. Allele origin: germline.

Breakthrough Genomics
Classification: Benign. Review status: criteria provided, single submitter. Criteria: ACMG Guidelines, 2015. Collection method: not provided. Allele origin: germline. Inheritance: Autosomal recessive inheritance. Affected: yes.

PreventionGenetics, part of Exact Sciences
Classification: Benign. Review status: criteria provided, single submitter. Criteria: ACMG Guidelines, 2015. Collection method: clinical testing. Allele origin: germline.

Department of Prosthodontics, Peking University School and Hospital of Stomatology
Classification: Pathogenic for Non-syndromic oligodontia. Last evaluated: 2020-04-27. Review status: no assertion criteria provided. Collection method: clinical testing. Allele origin: inherited. Affected: yes. Not counted in ClinVar's aggregate classification.

OMIM
Classification: association for HAIR MORPHOLOGY 1, HAIR THICKNESS. Last evaluated: 2016-08-04. Review status: no assertion criteria provided. Collection method: literature only. Allele origin: germline. Not counted in ClinVar's aggregate classification.

Literature cited by the submitters: PubMed 18065779 (cited by Illumina Laboratory Services, Illumina and OMIM); PubMed 18704500 (cited by OMIM); PubMed 18561327 (cited by OMIM).

NM_022336.4(EDAR):c.1109T>C (p.Val370Ala)

Genes: EDAR (ectodysplasin A receptor; minus strand), RANBP2 (RAN binding protein 2; plus strand). Cytogenetic location: 2q13.
Variant type: single nucleotide variant.
Coding change: c.1109T>C on transcript NM_022336.4 (MANE Select); coding-DNA position 1109, T replaced by C.
Protein change: p.Val370Ala; replaces valine 370 with alanine.
Molecular consequence: missense variant.
Genome position (GRCh38, 1-based): chr2:108,897,145, A>G on the plus strand (T>C on the coding strand, the complement: EDAR is on the minus strand). VCF-style: chr2-108897145-A-G. GRCh37 (hg19) VCF-style: chr2-109513601-A-G.
Other names: short protein forms V370A.
Identifiers: ClinVar variation 5858 (VCV000005858.26), dbSNP rs3827760, ClinGen allele CA117813.